The following is an entry in ClinVar:

ClinVar aggregate classification (germline): Benign. Review status: criteria provided, single submitter (1 of 4 stars). 2 submissions from 2 submitters: Benign (1). 1 of the submissions does not count toward it. Last evaluated 2019-12-31.

Conditions:
SEMA3D-related disorder. Also called: SEMA3D-related condition.

Allele frequency attached by ClinVar (database versions not stated): gnomAD exomes 0.00063 and 0.00166; ExAC 0.00195; gnomAD 0.00700 and 0.00748; ESP Exome Variant Server 0.00761; TOPMed 0.00795; 1000 Genomes Project 0.00998; 1000 Genomes Project 30x 0.01109.
gnomAD v4.1: 2,000 of 1,608,750 alleles (0.12%); highest among the groups gnomAD compares: African/African-American, 2.4%; 14 homozygotes.

Submissions (2):

Labcorp Genetics (formerly Invitae), Labcorp
Classification: Benign. Last evaluated: 2019-12-31. Review status: criteria provided, single submitter. Criteria: Invitae Variant Classification Sherloc (09022015). Collection method: clinical testing. Allele origin: germline.

PreventionGenetics, part of Exact Sciences
Classification: Benign for SEMA3D-related condition. Last evaluated: 2019-06-05. Review status: no assertion criteria provided. Collection method: clinical testing. Allele origin: germline. Not counted in ClinVar's aggregate classification.
Comment: This variant is classified as benign based on ACMG/AMP sequence variant interpretation guidelines (Richards et al. 2015 PMID: 25741868, with internal and published modifications).

NM_001384900.1(SEMA3D):c.246G>A (p.Leu82=)

Gene: SEMA3D (semaphorin 3D; minus strand). Cytogenetic location: 7q21.11.
Variant type: single nucleotide variant.
Coding change: c.246G>A on transcript NM_001384900.1 (MANE Select); coding-DNA position 246, G replaced by A.
Protein change: p.Leu82=; no amino-acid change (leucine 82 retained).
Molecular consequence: synonymous variant.
Genome position (GRCh38, 1-based): chr7:85,097,871, C>T on the plus strand (G>A on the coding strand, the complement: SEMA3D is on the minus strand). VCF-style: chr7-85097871-C-T. GRCh37 (hg19) VCF-style: chr7-84727187-C-T.
Other names: c.246G>A, p.Leu82= (NM_001384901.1, NM_001384902.1, NM_001384903.1 and 1 more transcripts).
Identifiers: ClinVar variation 786549 (VCV000786549.6), dbSNP rs74445757, ClinGen allele CA4323824.